The following is an entry in ClinVar:

NM_000038.6(APC):c.8321G>C (p.Ser2774Thr)

Gene: APC (APC regulator of Wnt signaling pathway; plus strand). Cytogenetic location: 5q22.2.
Variant type: single nucleotide variant.
Coding change: c.8321G>C on transcript NM_000038.6 (MANE Select); coding-DNA position 8321, G replaced by C.
Protein change: p.Ser2774Thr; replaces serine 2774 with threonine.
Molecular consequence: missense variant.
Genome position (GRCh38, 1-based): chr5:112,843,915, G>C. VCF-style: chr5-112843915-G-C. GRCh37 (hg19) VCF-style: chr5-112179612-G-C.
Other names: c.8321G>C, p.Ser2774Thr (NM_001127510.3, NM_001354895.2); c.8351G>C, p.Ser2784Thr (NM_001354897.2); c.8246G>C, p.Ser2749Thr (NM_001354898.2); c.8237G>C, p.Ser2746Thr (NM_001354899.2); c.8198G>C, p.Ser2733Thr (NM_001354900.2); c.8144G>C, p.Ser2715Thr (NM_001354901.2); c.8048G>C, p.Ser2683Thr (NM_001354902.2); c.8267G>C, p.Ser2756Thr (NM_001127511.3); and 5 more; short protein forms S2756T, S2774T, S2733T, S2648T, S2673T, S2491T, S2746T, S2749T.
Identifiers: ClinVar variation 216186 (VCV000216186.25), dbSNP rs863224553, ClinGen allele CA336189.

ClinVar aggregate classification (germline): Uncertain significance. Review status: criteria provided, multiple submitters, no conflicts (2 of 4 stars). 7 submissions from 7 submitters: Uncertain significance (6). 1 of the submissions does not count toward it. Last evaluated 2025-09-05.

Conditions:
Hereditary cancer-predisposing syndrome. Also called: Hereditary Cancer Syndrome; Hereditary neoplastic syndrome; Neoplastic Syndromes, Hereditary; Tumor predisposition. Identifiers: Orphanet 140162, MedGen C0027672, MeSH D009386, MONDO:0015356.
Familial adenomatous polyposis 1 (FAP1). Also called: FAMILIAL ADENOMATOUS POLYPOSIS 1, ATTENUATED; POLYPOSIS, ADENOMATOUS INTESTINAL. Identifiers: MedGen C2713442, MONDO:0021056, OMIM 175100. Disease mechanism: loss of function.

Submissions (7):

Labcorp Genetics (formerly Invitae), Labcorp
Classification: Uncertain significance for Familial adenomatous polyposis 1. Last evaluated: 2025-09-05. Review status: criteria provided, single submitter. Criteria: Invitae Variant Classification Sherloc (09022015). Collection method: clinical testing. Allele origin: germline.
Comment: This sequence change replaces serine, which is neutral and polar, with threonine, which is neutral and polar, at codon 2774 of the APC protein (p.Ser2774Thr). This variant is not present in population databases (gnomAD no frequency). This variant has not been reported in the literature in individuals affected with APC-related conditions. ClinVar contains an entry for this variant (Variation ID: 216186). Invitae Evidence Modeling of protein sequence and biophysical properties (such as structural, functional, and spatial information, amino acid conservation, physicochemical variation, residue mobility, and thermodynamic stability) indicates that this missense variant is not expected to disrupt APC protein function with a negative predictive value of 95%. In summary, the available evidence is currently insufficient to determine the role of this variant in disease. Therefore, it has been classified as a Variant of Uncertain Significance.

Ambry Genetics
Classification: Uncertain significance for Hereditary cancer-predisposing syndrome. Last evaluated: 2024-07-24. Review status: criteria provided, single submitter. Criteria: Ambry Variant Classification Scheme 2023. Collection method: clinical testing. Allele origin: germline.
Comment: The p.S2774T variant (also known as c.8321G>C), located in coding exon 15 of the APC gene, results from a G to C substitution at nucleotide position 8321. The serine at codon 2774 is replaced by threonine, an amino acid with similar properties. This amino acid position is well conserved in available vertebrate species. Based on the available evidence, the clinical significance of this variant remains unclear.

Color Diagnostics, LLC DBA Color Health
Classification: Uncertain significance for Hereditary cancer-predisposing syndrome. Last evaluated: 2023-12-05. Review status: criteria provided, single submitter. Criteria: ACMG Guidelines, 2015. Collection method: clinical testing. Allele origin: germline.
Comment: This missense variant replaces serine with threonine at codon 2774 of the APC protein. Computational prediction suggests that this variant may not impact protein structure and function (internally defined REVEL score threshold <= 0.5, PMID: 27666373). To our knowledge, functional studies have not been reported for this variant. This variant has not been reported in individuals affected with APC-related disorders in the literature. This variant has not been identified in the general population by the Genome Aggregation Database (gnomAD). The available evidence is insufficient to determine the role of this variant in disease conclusively. Therefore, this variant is classified as a Variant of Uncertain Significance.

GeneDx
Classification: Uncertain significance. Last evaluated: 2023-03-31. Review status: criteria provided, single submitter. Criteria: GeneDx Variant Classification Process June 2021. Collection method: clinical testing. Allele origin: germline. Affected: yes.
Comment: Not observed at significant frequency in large population cohorts (gnomAD); In silico analysis supports that this missense variant does not alter protein structure/function; Has not been previously published as pathogenic or benign to our knowledge; This variant is associated with the following publications: (PMID: 18199528)

Myriad Genetics, Inc.
Classification: Uncertain significance for Familial adenomatous polyposis 1. Last evaluated: 2023-02-15. Review status: criteria provided, single submitter. Criteria: Myriad Autosomal Dominant, Autosomal Recessive and X-Linked Classification Criteria (2023). Collection method: clinical testing. Allele origin: unknown.
Comment: This variant is classified as a variant of uncertain significance as there is insufficient evidence to determine its impact on protein function and/or cancer risk.

Women's Health and Genetics/Laboratory Corporation of America, LabCorp
Classification: Uncertain significance. Last evaluated: 2020-03-26. Review status: criteria provided, single submitter. Criteria: LabCorp Variant Classification Summary - May 2015. Collection method: clinical testing. Allele origin: germline.
Comment: Variant summary: APC c.8321G>C (p.Ser2774Thr) results in a conservative amino acid change located in the EB-1 binding domain (IPR009232) of the encoded protein sequence. Four of five in-silico tools predict a benign effect of the variant on protein function. The variant was absent in 250466 control chromosomes (gnomAD). The available data on variant occurrences in the general population are insufficient to allow any conclusion about variant significance. To our knowledge, no occurrence of c.8321G>C in individuals affected with Familial Adenomatous Polyposis and no experimental evidence demonstrating its impact on protein function have been reported. Four other clinical diagnostic laboratories have submitted clinical-significance assessments for this variant to ClinVar after 2014 without evidence for independent evaluation. All laboratories classified the variant as uncertain significance. Based on the evidence outlined above, the variant was classified as uncertain significance.

Counsyl
Classification: Uncertain significance for Familial adenomatous polyposis 1. Last evaluated: 2016-02-12. Review status: no assertion criteria provided. Collection method: clinical testing. Allele origin: unknown. Not counted in ClinVar's aggregate classification.